The following is an entry in ClinVar:

ClinVar aggregate classification (germline): Uncertain significance (1 of 4 stars; one submission).

Submission:

Labcorp Genetics (formerly Invitae), Labcorp
Classification: Uncertain significance. Last evaluated: 2023-03-16. Review status: criteria provided, single submitter. Criteria: Invitae Variant Classification Sherloc (09022015). Collection method: clinical testing. Allele origin: germline.
Comment: This variant has not been reported in the literature in individuals affected with NEFH-related conditions. This sequence change replaces glutamic acid, which is acidic and polar, with aspartic acid, which is acidic and polar, at codon 813 of the NEFH protein (p.Glu813Asp). This variant is not present in population databases (gnomAD no frequency). Advanced modeling of protein sequence and biophysical properties (such as structural, functional, and spatial information, amino acid conservation, physicochemical variation, residue mobility, and thermodynamic stability) performed at Invitae indicates that this missense variant is not expected to disrupt NEFH protein function. In summary, the available evidence is currently insufficient to determine the role of this variant in disease. Therefore, it has been classified as a Variant of Uncertain Significance.

NM_021076.4(NEFH):c.2439G>T (p.Glu813Asp)

Gene: NEFH (neurofilament heavy chain; plus strand). Cytogenetic location: 22q12.2.
Variant type: single nucleotide variant.
Coding change: c.2439G>T on transcript NM_021076.4 (MANE Select); coding-DNA position 2439, G replaced by T.
Protein change: p.Glu813Asp; replaces glutamic acid 813 with aspartic acid.
Molecular consequence: missense variant.
Genome position (GRCh38, 1-based): chr22:29,490,079, G>T. VCF-style: chr22-29490079-G-T. GRCh37 (hg19) VCF-style: chr22-29886068-G-T.
Other names: short protein forms E813D.
Identifiers: ClinVar variation 2843402 (VCV002843402.3), dbSNP rs775228338, ClinGen allele CA411137449.